The following is an entry in ClinVar:

NM_001256114.2(LHX8):c.606C>T (p.Ala202=)

Gene: LHX8 (LIM homeobox 8; plus strand). Cytogenetic location: 1p31.1.
Variant type: single nucleotide variant.
Coding change: c.606C>T on transcript NM_001256114.2 (MANE Select); coding-DNA position 606, C replaced by T.
Protein change: p.Ala202=; no amino-acid change (alanine 202 retained).
Molecular consequence: synonymous variant.
Genome position (GRCh38, 1-based): chr1:75,143,870, C>T. VCF-style: chr1-75143870-C-T. GRCh37 (hg19) VCF-style: chr1-75609555-C-T.
Other names: c.636C>T, p.Ala212= (NM_001001933.1).
Identifiers: ClinVar variation 3043391 (VCV003043391.2), dbSNP rs147867930, ClinGen allele CA911952.

ClinVar aggregate classification (germline): Likely benign (0 of 4 stars; one submission).

Conditions:
LHX8-related disorder. Also called: LHX8-related condition.

Allele frequency attached by ClinVar (database versions not stated): 1000 Genomes Project 30x 0.00016; 1000 Genomes Project 0.00020; gnomAD 0.00023; TOPMed 0.00024; gnomAD exomes 0.00034; ExAC 0.00036; ESP Exome Variant Server 0.00046.
gnomAD v4.1: 541 of 1,613,062 alleles (0.034%); highest among the groups gnomAD compares: Middle Eastern, 0.38%; 1 homozygote.

Submission:

PreventionGenetics, part of Exact Sciences
Classification: Likely benign for LHX8-related condition. Last evaluated: 2019-07-02. Review status: no assertion criteria provided. Collection method: clinical testing. Allele origin: germline.
Comment: This variant is classified as likely benign based on ACMG/AMP sequence variant interpretation guidelines (Richards et al. 2015 PMID: 25741868, with internal and published modifications).